The following is an entry in ClinVar:

ClinVar aggregate classification (germline): Uncertain significance (1 of 4 stars; one submission).

Conditions:
Inborn genetic diseases. Identifiers: MedGen C0950123, MeSH D030342.

gnomAD v4.1: 1 of 1,613,888 alleles (0.000062%); highest among the groups gnomAD compares: Non-Finnish European, 0.000085%; no homozygotes.

Submission:

Ambry Genetics
Classification: Uncertain significance for Inborn genetic diseases. Last evaluated: 2024-04-09. Review status: criteria provided, single submitter. Criteria: Ambry Variant Classification Scheme 2023. Collection method: clinical testing. Allele origin: germline.
Comment: The p.A444T variant (also known as c.1330G>A), located in coding exon 5 of the ATR gene, results from a G to A substitution at nucleotide position 1330. The alanine at codon 444 is replaced by threonine, an amino acid with similar properties. This amino acid position is conserved. In addition, this alteration is predicted to be tolerated by in silico analysis. Based on the available evidence, the clinical significance of this variant remains unclear.

NM_001184.4(ATR):c.1330G>A (p.Ala444Thr)

Gene: ATR (ATR serine/threonine kinase; minus strand). Cytogenetic location: 3q23.
Variant type: single nucleotide variant.
Coding change: c.1330G>A on transcript NM_001184.4 (MANE Select); coding-DNA position 1330, G replaced by A.
Protein change: p.Ala444Thr; replaces alanine 444 with threonine.
Molecular consequence: missense variant.
Genome position (GRCh38, 1-based): chr3:142,561,262, C>T on the plus strand (G>A on the coding strand, the complement: ATR is on the minus strand). VCF-style: chr3-142561262-C-T. GRCh37 (hg19) VCF-style: chr3-142280104-C-T.
Other names: c.1330G>A, p.Ala444Thr (NM_001354579.2); short protein forms A444T.
Identifiers: ClinVar variation 3330888 (VCV003330888.1).